The following is an entry in ClinVar:

NM_017934.7(PHIP):c.5172A>T (p.Lys1724Asn)

Genes: IRAK1BP1 (interleukin 1 receptor associated kinase 1 binding protein 1; plus strand), PHIP (PHIP subunit of CUL4-Ring ligase complex; minus strand). Cytogenetic location: 6q14.1.
Variant type: single nucleotide variant.
Coding change: c.5172A>T on transcript NM_017934.7 (MANE Select); coding-DNA position 5172, A replaced by T.
Protein change: p.Lys1724Asn; replaces lysine 1724 with asparagine.
Molecular consequence: missense variant.
Genome position (GRCh38, 1-based): chr6:78,940,987, T>A on the plus strand (A>T on the coding strand, the complement: PHIP is on the minus strand). VCF-style: chr6-78940987-T-A. GRCh37 (hg19) VCF-style: chr6-79650704-T-A.
Other names: short protein forms K1724N.
Identifiers: ClinVar variation 4991657 (VCV004991657.1).
Genomic context (GRCh38, chr6:78,940,987, plus strand): 5'-TTTTCGGTTACTTCTCCTTAACACTTTGACACTTGCAGGGACTAGGAGATCTGCATCTAA[T>A]TTTTGTGTCTTCATCTTCCTTTTGGGCTTCCTACCTCCACGATTCTTTTTCTGTAACAAA-3'
Protein context (NP_060404.4, residues 1714-1734): RKPKRKMKTQ[Lys1724Asn]LDADLLVPAS

ClinVar aggregate classification (germline): Uncertain significance (1 of 4 stars; one submission).

Conditions:
PHIP-related disorder. Also called: PHIP-related condition; PHIP-related disorders.

gnomAD v4.1: 4 of 1,613,904 alleles (0.00025%); highest among the groups gnomAD compares: Admixed American, 0.0067%; no homozygotes.

Submission:

PreventionGenetics, part of Exact Sciences
Classification: Uncertain significance for PHIP-related condition. Last evaluated: 2026-07-07. Review status: criteria provided, single submitter. Criteria: ACMG Guidelines, 2015. Collection method: clinical testing. Allele origin: germline.
Comment: The PHIP c.5172A>T variant is predicted to result in the amino acid substitution p.Lys1724Asn. To our knowledge, this variant has not been reported in the literature. This variant is reported in 0.0087% of alleles in individuals of Latino descent in gnomAD. At this time, the clinical significance of this variant is uncertain due to the absence of conclusive functional and genetic evidence.